The following is an entry in ClinVar:

NM_033026.6(PCLO):c.14615T>C (p.Ile4872Thr)

Gene: PCLO (piccolo presynaptic cytomatrix protein; minus strand). Cytogenetic location: 7q21.11.
Variant type: single nucleotide variant.
Coding change: c.14615T>C on transcript NM_033026.6 (MANE Select); coding-DNA position 14615, T replaced by C.
Protein change: p.Ile4872Thr; replaces isoleucine 4872 with threonine.
Molecular consequence: missense variant.
Genome position (GRCh38, 1-based): chr7:82,822,671, A>G on the plus strand (T>C on the coding strand, the complement: PCLO is on the minus strand). VCF-style: chr7-82822671-A-G. GRCh37 (hg19) VCF-style: chr7-82451987-A-G.
Other names: c.14615T>C, p.Ile4872Thr (NM_014510.3); c.14615T>C (NM_033026.5); short protein forms I4872T.
Identifiers: ClinVar variation 1368037 (VCV001368037.8), dbSNP rs770706857, ClinGen allele CA4318751.

ClinVar aggregate classification (germline): Uncertain significance. Review status: criteria provided, multiple submitters, no conflicts (2 of 4 stars). 2 submissions from 2 submitters: Uncertain significance (2). Last evaluated 2024-08-26.

Conditions:
Inborn genetic diseases. Identifiers: MedGen C0950123, MeSH D030342.

Allele frequency attached by ClinVar (database versions not stated): gnomAD exomes below 0.00001 and 0.00001; ExAC 0.00001; gnomAD 0.00002; TOPMed 0.00003.
gnomAD v4.1: 7 of 1,613,364 alleles (0.00043%); highest among the groups gnomAD compares: African/African-American, 0.0053%; no homozygotes.

Submissions (2):

Ambry Genetics
Classification: Uncertain significance for Inborn genetic diseases. Last evaluated: 2024-08-26. Review status: criteria provided, single submitter. Criteria: Ambry Variant Classification Scheme 2023. Collection method: clinical testing. Allele origin: germline.

Labcorp Genetics (formerly Invitae), Labcorp
Classification: Uncertain significance. Last evaluated: 2022-11-22. Review status: criteria provided, single submitter. Criteria: Invitae Variant Classification Sherloc (09022015). Collection method: clinical testing. Allele origin: germline.
Comment: In summary, the available evidence is currently insufficient to determine the role of this variant in disease. Therefore, it has been classified as a Variant of Uncertain Significance. Algorithms developed to predict the effect of missense changes on protein structure and function are either unavailable or do not agree on the potential impact of this missense change (SIFT: "Deleterious"; PolyPhen-2: "Not Available"; Align-GVGD: "Class C0"). ClinVar contains an entry for this variant (Variation ID: 1368037). This variant has not been reported in the literature in individuals affected with PCLO-related conditions. This variant is present in population databases (rs770706857, gnomAD 0.01%). This sequence change replaces isoleucine, which is neutral and non-polar, with threonine, which is neutral and polar, at codon 4872 of the PCLO protein (p.Ile4872Thr).